The following is an entry in ClinVar:

GRCh37/hg19 20p12.2-11.23(chr20:11716825-19331055)

Genes: BANF2 (BANF family member 2; plus strand), BFSP1 (beaded filament structural protein 1; minus strand), BTBD3 (BTB domain containing 3; plus strand), DSTN (destrin, actin depolymerizing factor; plus strand), DTD1 (D-aminoacyl-tRNA deacylase 1; plus strand) and 26 more. Cytogenetic location: 20p12.2-11.23.
Variant type: copy number gain.
Identifiers: ClinVar variation 625735 (VCV000625735.1).

ClinVar aggregate classification (germline): Pathogenic (1 of 4 stars; one submission).

Submission:

Baylor Genetics
Classification: Pathogenic. Last evaluated: 2018-11-01. Review status: criteria provided, single submitter. Criteria: ACMG CNV Guidelines, 2011. Collection method: clinical testing. Allele origin: maternal. Observed: 1 variant allele.